The following is an entry in ClinVar:

ClinVar aggregate classification (germline): Conflicting classifications of pathogenicity. Review status: criteria provided, conflicting classifications (1 of 4 stars). 6 submissions from 6 submitters: Uncertain significance (5); Likely benign (1). Last evaluated 2026-04-06.

Conditions:
Polycystic kidney disease, adult type (PKD1). Also called: Polycystic Kidney Disease 1, Autosomal Dominant; Polycystic kidney disease 1; Polycystic kidney disease 1, severe; Polycystic Kidney, Autosomal Dominant; POLYCYSTIC KIDNEY DISEASE 1 WITH OR WITHOUT POLYCYSTIC LIVER DISEASE; POLYCYSTIC KIDNEY DISEASE, ADULT, TYPE I. Identifiers: MedGen C3149841, MONDO:0008263, OMIM 173900.

Allele frequency attached by ClinVar (database versions not stated): TOPMed 0.00004; gnomAD exomes 0.00005; ExAC 0.00008; gnomAD 0.00013.
gnomAD v4.1: 62 of 1,602,388 alleles (0.0039%); highest among the groups gnomAD compares: African/African-American, 0.0094%; no homozygotes.

Submissions (6):

GeneDx
Classification: Uncertain significance. Last evaluated: 2026-04-06. Review status: criteria provided, single submitter. Criteria: GeneDx Variant Classification Process June 2021. Collection method: clinical testing. Allele origin: germline.
Comment: Observed in patients with polycystic kidney disease in published literature, all patients harbored additional variants in the PKD1 gene (phase unknown) that may contribute to the phenotype (PMID: 25646624, 33437386); In silico analysis suggests that this missense variant does not alter protein structure/function; This variant is associated with the following publications: (PMID: 25646624, 33437386)

Women's Health and Genetics/Laboratory Corporation of America, LabCorp
Classification: Uncertain significance. Last evaluated: 2025-03-21. Review status: criteria provided, single submitter. Criteria: LabCorp Variant Classification Summary - May 2015. Collection method: clinical testing. Allele origin: germline.
Comment: Variant summary: PKD1 c.9067A>G (p.Met3023Val) results in a conservative amino acid change in the encoded protein sequence. Five of five in-silico tools predict a benign effect of the variant on protein function. The variant allele was found at a frequency of 4.7e-05 in 231652 control chromosomes. This frequency is not significantly higher than estimated for a pathogenic variant in PKD1 causing PKD1-Biallelic Autosomal Recessive Polycystic Kidney Disease, allowing no conclusion about variant significance. c.9067A>G has been reported in the literature in an individual suspected of Biallelic Autosomal Recessive Polycystic Kidney Disease with a negative family history, however multiple variants in PKD1 and other genes related to Polycystic Kidney Disease were found in this individual and no segregation data was provided (Eisenberger_2015). Segregation of c.9067A>G in family members other than the proband was not determined/specified. These reports do not provide unequivocal conclusions about association of the variant with PKD1-Biallelic Autosomal Recessive Polycystic Kidney Disease. To our knowledge, no experimental evidence demonstrating an impact on protein function has been reported. The following publications have been ascertained in the context of this evaluation (PMID: 25646624, 33437386). ClinVar contains an entry for this variant (Variation ID: 618819). Based on the evidence outlined above, the variant was classified as uncertain significance.

Fulgent Genetics
Classification: Uncertain significance for Polycystic kidney disease, adult type. Last evaluated: 2024-04-10. Review status: criteria provided, single submitter. Criteria: ACMG Guidelines, 2015. Collection method: clinical testing. Allele origin: germline.

Department of Pathology and Laboratory Medicine, Sinai Health System
Classification: Likely benign for Polycystic kidney disease, adult type. Last evaluated: 2022-10-06. Review status: criteria provided, single submitter. Criteria: ACMG Guidelines, 2015. Collection method: clinical testing. Allele origin: germline. Affected: yes.

Greenwood Genetic Center Diagnostic Laboratories, Greenwood Genetic Center
Classification: Uncertain significance. Last evaluated: 2021-03-17. Review status: criteria provided, single submitter. Criteria: ACMG Guidelines, 2015. Collection method: clinical testing. Allele origin: germline. Affected: yes.
Comment: No ACMG evidence could be applied applied

ARUP Laboratories, Molecular Genetics and Genomics, ARUP Laboratories
Classification: Uncertain significance. Last evaluated: 2018-03-19. Review status: criteria provided, single submitter. Criteria: ARUP Molecular Germline Variant Investigation Process. Collection method: clinical testing. Allele origin: germline.
Comment: The PKD1 c.9067A>G; p.Met3023Val variant (rs17135779), to our knowledge, is not reported in the medical literature or in gene-specific databases but is observed in the general population at an overall frequency of 0.006% (15/258936 alleles) in the Genome Aggregation Database. Another variant at this codon (c.9068T>A; p.Met3023Lys) is reported in the ADPKD database as a likely neutral variant (see link to ADPKD database). The methionine at codon 3023 is moderately conserved but computational algorithms (SIFT, PolyPhen2) predict that this variant is tolerated. Due to limited information regarding the c.9067A>G variant, its clinical significance cannot be determined with certainty. References: ADPKD database

Literature cited by the submitters: PubMed 25646624 (cited by Women's Health and Genetics/Laboratory Corporation of America, LabCorp); PubMed 33437386 (cited by Women's Health and Genetics/Laboratory Corporation of America, LabCorp).

NM_001009944.3(PKD1):c.9067A>G (p.Met3023Val)

Gene: PKD1 (polycystin 1, transient receptor potential channel interacting; minus strand). Cytogenetic location: 16p13.3.
Variant type: single nucleotide variant.
Coding change: c.9067A>G on transcript NM_001009944.3 (MANE Select); coding-DNA position 9067, A replaced by G.
Protein change: p.Met3023Val; replaces methionine 3023 with valine.
Molecular consequence: missense variant.
Genome position (GRCh38, 1-based): chr16:2,102,515, T>C on the plus strand (A>G on the coding strand, the complement: PKD1 is on the minus strand). VCF-style: chr16-2102515-T-C. GRCh37 (hg19) VCF-style: chr16-2152516-T-C.
Other names: c.9067A>G, p.Met3023Val (NM_000296.4); c.9067A>G (NM_001009944.2); short protein forms M3023V.
Identifiers: ClinVar variation 618819 (VCV000618819.15), dbSNP rs17135779, ClinGen allele CA7830206.